The following is an entry in ClinVar:

ClinVar aggregate classification (germline): Uncertain significance. Review status: criteria provided, multiple submitters, no conflicts (2 of 4 stars). 3 submissions from 3 submitters: Uncertain significance (3). Last evaluated 2025-01-01.

Conditions:
Mitochondrial complex IV deficiency, nuclear type 11. Also called: Mitochondrial complex 4 deficiency, nuclear type 11. Identifiers: MedGen C5436694, MONDO:0033645, OMIM 619054.
Inborn genetic diseases. Identifiers: MedGen C0950123, MeSH D030342.

Allele frequency attached by ClinVar (database versions not stated): TOPMed below 0.00001; gnomAD 0.00001.
gnomAD v4.1: 2 of 1,595,424 alleles (0.00013%); highest among the groups gnomAD compares: Admixed American, 0.0017%; no homozygotes.

Submissions (4):

Ambry Genetics
Classification: Uncertain significance for Inborn genetic diseases. Last evaluated: 2025-01-01. Review status: criteria provided, single submitter. Criteria: Ambry Variant Classification Scheme 2023. Collection method: clinical testing. Allele origin: germline.

Fulgent Genetics
Classification: Uncertain significance for Mitochondrial complex IV deficiency, nuclear type 11. Last evaluated: 2024-01-09. Review status: criteria provided, single submitter. Criteria: ACMG Guidelines, 2015. Collection method: clinical testing. Allele origin: germline.

Labcorp Genetics (formerly Invitae), Labcorp
Classification: Uncertain significance. Last evaluated: 2022-02-06. Review status: criteria provided, single submitter. Criteria: Invitae Variant Classification Sherloc (09022015). Collection method: clinical testing. Allele origin: germline.
Comment: In summary, the available evidence is currently insufficient to determine the role of this variant in disease. Therefore, it has been classified as a Variant of Uncertain Significance. Algorithms developed to predict the effect of missense changes on protein structure and function (SIFT, PolyPhen-2, Align-GVGD) all suggest that this variant is likely to be disruptive. This variant has not been reported in the literature in individuals affected with COX20-related conditions. This variant is not present in population databases (gnomAD no frequency). This sequence change replaces glycine, which is neutral and non-polar, with arginine, which is basic and polar, at codon 20 of the COX20 protein (p.Gly20Arg).

Dr. Peter K. Rogan Lab, Western University
No classification provided (evidence only). Condition: Malignant tumor of esophagus. Review status: no classification provided. Collection method: in vitro. Allele origin: not applicable. Functional consequence: skipped exon, retained intron. Not counted in ClinVar's aggregate classification.

NM_198076.6(COX20):c.58G>A (p.Gly20Arg)

Gene: COX20 (cytochrome c oxidase assembly factor COX20; plus strand). Cytogenetic location: 1q44.
Variant type: single nucleotide variant.
Coding change: c.58G>A on transcript NM_198076.6 (MANE Select); coding-DNA position 58, G replaced by A.
Protein change: p.Gly20Arg; replaces glycine 20 with arginine.
Molecular consequence: missense variant. On other transcripts: non-coding transcript variant (1), intron variant (1).
Genome position (GRCh38, 1-based): chr1:244,841,959, G>A. VCF-style: chr1-244841959-G-A. GRCh37 (hg19) VCF-style: chr1-245005261-G-A.
Other names: c.58G>A, p.Gly20Arg (NM_001312871.1, NM_001312874.1); c.94G>A, p.Gly32Arg (NM_001312872.1); c.23-236G>A (NM_001312873.1); c.58G>A (NM_198076.4); short protein forms G20R, G32R.
Identifiers: ClinVar variation 1968347 (VCV001968347.8), dbSNP rs1680217470, ClinGen allele CA345676204.